The following is an entry in ClinVar:

NM_000391.4(TPP1):c.1217A>C (p.Tyr406Ser)

Gene: TPP1 (tripeptidyl peptidase 1; minus strand). Cytogenetic location: 11p15.4.
Variant type: single nucleotide variant.
Coding change: c.1217A>C on transcript NM_000391.4 (MANE Select); coding-DNA position 1217, A replaced by C.
Protein change: p.Tyr406Ser; replaces tyrosine 406 with serine.
Molecular consequence: missense variant.
Genome position (GRCh38, 1-based): chr11:6,615,491, T>G on the plus strand (A>C on the coding strand, the complement: TPP1 is on the minus strand). VCF-style: chr11-6615491-T-G. GRCh37 (hg19) VCF-style: chr11-6636722-T-G.
Other names: short protein forms Y406S.
Identifiers: ClinVar variation 2171281 (VCV002171281.1), dbSNP rs780670020, ClinGen allele CA5858703.
Genomic context (GRCh38, chr11:6,615,491, plus strand): 5'-AACACACGTACCTGGTATGAAGGCCGTGGGAACACATTGCTGAAGCCACCACCACTGATA[T>G]AGTCAACAATTTCATTTGTGATGAGGAAAGGTTCCTGGAAGGATGTGCCTCCCACTGTGG-3'
Protein context (NP_000382.3, residues 396-416): PFLITNEIVD[Tyr406Ser]ISGGGFSNVF

ClinVar aggregate classification (germline): Uncertain significance (1 of 4 stars; one submission).

gnomAD v4.1: 1 of 1,614,158 alleles (0.000062%); highest among the groups gnomAD compares: Non-Finnish European, 0.000085%; no homozygotes.

Submission:

Labcorp Genetics (formerly Invitae), Labcorp
Classification: Uncertain significance. Last evaluated: 2022-05-20. Review status: criteria provided, single submitter. Criteria: Invitae Variant Classification Sherloc (09022015). Collection method: clinical testing. Allele origin: germline.
Comment: This sequence change replaces tyrosine, which is neutral and polar, with serine, which is neutral and polar, at codon 406 of the TPP1 protein (p.Tyr406Ser). This variant is present in population databases (rs780670020, gnomAD 0.0009%). This variant has not been reported in the literature in individuals affected with TPP1-related conditions. Algorithms developed to predict the effect of missense changes on protein structure and function (SIFT, PolyPhen-2, Align-GVGD) all suggest that this variant is likely to be tolerated. In summary, the available evidence is currently insufficient to determine the role of this variant in disease. Therefore, it has been classified as a Variant of Uncertain Significance.